The following is an entry in ClinVar:

NM_000064.4(C3):c.3379C>A (p.Gln1127Lys)

Gene: C3 (complement C3; minus strand). Cytogenetic location: 19p13.3.
Variant type: single nucleotide variant.
Coding change: c.3379C>A on transcript NM_000064.4 (MANE Select); coding-DNA position 3379, C replaced by A.
Protein change: p.Gln1127Lys; replaces glutamine 1127 with lysine.
Molecular consequence: missense variant.
Genome position (GRCh38, 1-based): chr19:6,692,935, G>T on the plus strand (C>A on the coding strand, the complement: C3 is on the minus strand). VCF-style: chr19-6692935-G-T. GRCh37 (hg19) VCF-style: chr19-6692946-G-T.
Other names: short protein forms Q1127K.
Identifiers: ClinVar variation 4537347 (VCV004537347.1).
Genomic context (GRCh38, chr19:6,692,935, plus strand): 5'-GACTCAGGAGCCCCTCTCTTCCATTTTGCCCTAAATCCCAGCCTCTTACAATCATTTCTT[G>T]GTGTATCACGGGCGCATCCTCCTGGAAGACCCCGTCGGGCTTCTGCTTCTCCAGGATCAG-3'
Protein context (NP_000055.2, residues 1117-1137): VFQEDAPVIH[Gln1127Lys]EMIGGLRNNN

ClinVar aggregate classification (germline): Uncertain significance (1 of 4 stars; one submission).

gnomAD v4.1: 2 of 1,613,974 alleles (0.00012%); highest among the groups gnomAD compares: Non-Finnish European, 0.000085%; no homozygotes.

Submission:

Women's Health and Genetics/Laboratory Corporation of America, LabCorp
Classification: Uncertain significance. Last evaluated: 2025-11-18. Review status: criteria provided, single submitter. Criteria: LabCorp Variant Classification Summary - May 2015. Collection method: clinical testing. Allele origin: germline.
Comment: Variant summary: C3 c.3379C>A (p.Gln1127Lys) results in a conservative amino acid change in the encoded protein sequence. Algorithms developed to predict the effect of missense changes on protein structure and function are either unavailable or do not agree on the potential impact of this missense change. The variant was absent in 250744 control chromosomes. The available data on variant occurrences in the general population are insufficient to allow any conclusion about variant significance. To our knowledge, no occurrence of c.3379C>A in individuals affected with C3-related conditions and no experimental evidence demonstrating its impact on protein function have been reported. No submitters have cited clinical-significance assessments for this variant to ClinVar. Based on the evidence outlined above, the variant was classified as uncertain significance.